The following is an entry in ClinVar:

NC_000011.9:g.(?_108115495)_(108236235_?)dup

Gene: ATM (ATM serine/threonine kinase; plus strand). Cytogenetic location: 11q22.3.
Variant type: Duplication.
Identifiers: ClinVar variation 3244502 (VCV003244502.1).

ClinVar aggregate classification (germline): Uncertain significance (1 of 4 stars; one submission).

Conditions:
Ataxia-telangiectasia syndrome (AT). Also called: LOUIS-BAR SYNDROME; Cerebello-oculocutaneous telangiectasia; Immunodeficiency with ataxia telangiectasia; AT, COMPLEMENTATION GROUP C; Ataxia-telangiectasia, complementation group D; ATAXIA-TELANGIECTASIA, COMPLEMENTATION GROUP A. Identifiers: Orphanet 100, MedGen C0004135, MONDO:0008840, OMIM 208900.

Submission:

Labcorp Genetics (formerly Invitae), Labcorp
Classification: Uncertain significance for Ataxia-telangiectasia syndrome. Last evaluated: 2023-11-24. Review status: criteria provided, single submitter. Criteria: Invitae Variant Classification Sherloc (09022015). Collection method: clinical testing. Allele origin: unknown.
Comment: This variant results in a copy number gain of the genomic region encompassing exon(s) 7-63 of the ATM gene. This region includes the termination codon of the gene. This copy number gain extends beyond the assayed region for this gene and therefore may encompass additional genes. As the precise location of this event is unknown, it may be in tandem or it may be located elsewhere in the genome. This variant has not been reported in the literature in individuals affected with ATM-related conditions. Experimental studies and prediction algorithms are not available or were not evaluated, and the functional significance of this variant is currently unknown. In summary, the available evidence is currently insufficient to determine the role of this variant in disease. Therefore, it has been classified as a Variant of Uncertain Significance.